The following is an entry in ClinVar:

ClinVar aggregate classification (germline): Conflicting classifications of pathogenicity. Review status: criteria provided, conflicting classifications (1 of 4 stars). 2 submissions from 2 submitters: Uncertain significance (1); Likely benign (1). Last evaluated 2025-02-13.

Conditions:
Inborn genetic diseases. Identifiers: MedGen C0950123, MeSH D030342.

Allele frequency attached by ClinVar (database versions not stated): ExAC 0.00001; gnomAD exomes 0.00007; gnomAD 0.00018 and 0.00019.
gnomAD v4.1: 44 of 1,604,570 alleles (0.0027%); highest among the groups gnomAD compares: Admixed American, 0.068%; no homozygotes.

Submissions (2):

Ambry Genetics
Classification: Likely benign for Inborn genetic diseases. Last evaluated: 2025-02-13. Review status: criteria provided, single submitter. Criteria: Ambry Variant Classification Scheme 2023. Collection method: clinical testing. Allele origin: germline.

Labcorp Genetics (formerly Invitae), Labcorp
Classification: Uncertain significance. Last evaluated: 2021-04-27. Review status: criteria provided, single submitter. Criteria: Invitae Variant Classification Sherloc (09022015). Collection method: clinical testing. Allele origin: germline.
Comment: This variant has not been reported in the literature in individuals with RIPK1-related conditions. This variant is present in population databases (rs769646757, ExAC 0.002%). This sequence change replaces serine with threonine at codon 520 of the RIPK1 protein (p.Ser520Thr). The serine residue is weakly conserved and there is a small physicochemical difference between serine and threonine. Algorithms developed to predict the effect of missense changes on protein structure and function output the following: SIFT: "Not Available"; PolyPhen-2: "Benign"; Align-GVGD: "Not Available". The threonine amino acid residue is found in multiple mammalian species, suggesting that this missense change does not adversely affect protein function. These predictions have not been confirmed by published functional studies and their clinical significance is uncertain. In summary, the available evidence is currently insufficient to determine the role of this variant in disease. Therefore, it has been classified as a Variant of Uncertain Significance.

NM_001354930.2(RIPK1):c.1559G>C (p.Ser520Thr)

Gene: RIPK1 (receptor interacting serine/threonine kinase 1; plus strand). Cytogenetic location: 6p25.2.
Variant type: single nucleotide variant.
Coding change: c.1559G>C on transcript NM_001354930.2 (MANE Select); coding-DNA position 1559, G replaced by C.
Protein change: p.Ser520Thr; replaces serine 520 with threonine.
Molecular consequence: missense variant.
Genome position (GRCh38, 1-based): chr6:3,106,034, G>C. VCF-style: chr6-3106034-G-C. GRCh37 (hg19) VCF-style: chr6-3106268-G-C.
Other names: c.1070G>C, p.Ser357Thr (NM_001317061.3, NM_001354932.2, NM_001354933.2 and 1 more transcripts); c.1421G>C, p.Ser474Thr (NM_001354931.2); c.1559G>C, p.Ser520Thr (NM_003804.6); c.1559G>C (NM_003804.3); short protein forms S357T, S520T, S474T.
Identifiers: ClinVar variation 1473992 (VCV001473992.7), dbSNP rs769646757, ClinGen allele CA3618442.
Genomic context (GRCh38, chr6:3,106,034, plus strand): 5'-TGCATAATATCCCAGTGCCTGAGACCAACTATCTAGGAAATACACCCACCATGCCATTCA[G>C]CTCCTTGCCACCAACAGGTAAATGGGTCTTCGATAGTCACAAGCTTGTCTTTTTTTATTT-3'
Protein context (NP_001341859.1, residues 510-530): YLGNTPTMPF[Ser520Thr]SLPPTDESIK